The following is an entry in ClinVar:

NM_006371.5(CRTAP):c.953C>T (p.Ala318Val)

Gene: CRTAP (cartilage associated protein; plus strand). Cytogenetic location: 3p22.3.
Variant type: single nucleotide variant.
Coding change: c.953C>T on transcript NM_006371.5 (MANE Select); coding-DNA position 953, C replaced by T.
Protein change: p.Ala318Val; replaces alanine 318 with valine.
Molecular consequence: missense variant.
Genome position (GRCh38, 1-based): chr3:33,132,585, C>T. VCF-style: chr3-33132585-C-T. GRCh37 (hg19) VCF-style: chr3-33174077-C-T.
Other names: short protein forms A318V.
Identifiers: ClinVar variation 943938 (VCV000943938.5), dbSNP rs114178925, ClinGen allele CA72669302.
Genomic context (GRCh38, chr3:33,132,585, plus strand): 5'-TCTTCATTTGTCTTTTCTTCCCAACCCTAGTGAACGACCTGAAGAATGCAGCCCCCTGTG[C>T]AGTCAGCTATCTGCTCTTTGATCAGAATGACAAGGTCATGCAGCAGAACCTGGTGTATTA-3'
Protein context (NP_006362.1, residues 308-328): LNDLKNAAPC[Ala318Val]VSYLLFDQND

ClinVar aggregate classification (germline): Uncertain significance. Review status: criteria provided, multiple submitters, no conflicts (2 of 4 stars). 2 submissions from 2 submitters: Uncertain significance (2). Last evaluated 2025-01-07.

Conditions:
Inborn genetic diseases. Identifiers: MedGen C0950123, MeSH D030342.
Osteogenesis imperfecta type 7 (OI7). Also called: OSTEOGENESIS IMPERFECTA, TYPE IIB; Osteogenesis imperfecta type 2B; OI type 2B; Osteogenesis imperfecta, perinatal lethal autosomal recessive; OI type IIB; OI type 7. Identifiers: MedGen C1853162, MONDO:0012536, OMIM 610682.

Allele frequency attached by ClinVar (database versions not stated): gnomAD 0.00001; gnomAD exomes 0.00001; TOPMed 0.00002.
gnomAD v4.1: 50 of 1,614,128 alleles (0.0031%); highest among the groups gnomAD compares: African/African-American, 0.0053%; no homozygotes.

Submissions (2):

Ambry Genetics
Classification: Uncertain significance for Inborn genetic diseases. Last evaluated: 2025-01-07. Review status: criteria provided, single submitter. Criteria: Ambry Variant Classification Scheme 2023. Collection method: clinical testing. Allele origin: germline.

Labcorp Genetics (formerly Invitae), Labcorp
Classification: Uncertain significance for Osteogenesis imperfecta type 7. Last evaluated: 2022-09-01. Review status: criteria provided, single submitter. Criteria: Invitae Variant Classification Sherloc (09022015). Collection method: clinical testing. Allele origin: germline.
Comment: This sequence change replaces alanine, which is neutral and non-polar, with valine, which is neutral and non-polar, at codon 318 of the CRTAP protein (p.Ala318Val). This variant is present in population databases (rs114178925, gnomAD 0.007%). This variant has not been reported in the literature in individuals affected with CRTAP-related conditions. ClinVar contains an entry for this variant (Variation ID: 943938). Algorithms developed to predict the effect of missense changes on protein structure and function output the following: SIFT: "Tolerated"; PolyPhen-2: "Benign"; Align-GVGD: "Class C0". The valine amino acid residue is found in multiple mammalian species, which suggests that this missense change does not adversely affect protein function. In summary, the available evidence is currently insufficient to determine the role of this variant in disease. Therefore, it has been classified as a Variant of Uncertain Significance.